The following is an entry in ClinVar:

NM_001040108.2(MLH3):c.1030G>C (p.Val344Leu)

Gene: MLH3 (mutL homolog 3; minus strand). Cytogenetic location: 14q24.3.
Variant type: single nucleotide variant.
Coding change: c.1030G>C on transcript NM_001040108.2 (MANE Select); coding-DNA position 1030, G replaced by C.
Protein change: p.Val344Leu; replaces valine 344 with leucine.
Molecular consequence: missense variant.
Genome position (GRCh38, 1-based): chr14:75,048,626, C>G on the plus strand (G>C on the coding strand, the complement: MLH3 is on the minus strand). VCF-style: chr14-75048626-C-G. GRCh37 (hg19) VCF-style: chr14-75515329-C-G.
Other names: c.1030G>C, p.Val344Leu (NM_014381.3); c.1030G>C (NM_001040108.1); short protein forms V344L.
Identifiers: ClinVar variation 1504477 (VCV001504477.7), dbSNP rs758958422, ClinGen allele CA390447948.

ClinVar aggregate classification (germline): Uncertain significance. Review status: criteria provided, multiple submitters, no conflicts (2 of 4 stars). 2 submissions from 2 submitters: Uncertain significance (2). Last evaluated 2023-04-03.

Conditions:
Colorectal cancer, hereditary nonpolyposis, type 7. Identifiers: Orphanet 144, MedGen C1858380, MONDO:0013725, OMIM 614385.

gnomAD v4.1: 15 of 1,614,136 alleles (0.00093%); highest among the groups gnomAD compares: Non-Finnish European, 0.0013%; no homozygotes.

Submissions (2):

Ambry Genetics
Classification: Uncertain significance. Last evaluated: 2023-04-03. Review status: criteria provided, single submitter. Criteria: Ambry Variant Classification Scheme 2023. Collection method: clinical testing. Allele origin: germline.
Comment: The p.V344L variant (also known as c.1030G>C), located in coding exon 1 of the MLH3 gene, results from a G to C substitution at nucleotide position 1030. The valine at codon 344 is replaced by leucine, an amino acid with highly similar properties. This amino acid position is not well conserved in available vertebrate species. In addition, the in silico prediction for this alteration is inconclusive. The evidence for this gene-disease relationship is limited; therefore, the clinical significance of this alteration is unclear.

Labcorp Genetics (formerly Invitae), Labcorp
Classification: Uncertain significance for Colorectal cancer, hereditary nonpolyposis, type 7. Last evaluated: 2023-03-15. Review status: criteria provided, single submitter. Criteria: Invitae Variant Classification Sherloc (09022015). Collection method: clinical testing. Allele origin: germline.
Comment: ClinVar contains an entry for this variant (Variation ID: 1504477). In summary, the available evidence is currently insufficient to determine the role of this variant in disease. Therefore, it has been classified as a Variant of Uncertain Significance. An algorithm developed to predict the effect of missense changes on protein structure and function (PolyPhen-2) suggests that this variant is likely to be tolerated. This variant has not been reported in the literature in individuals affected with MLH3-related conditions. This variant is not present in population databases (gnomAD no frequency). This sequence change replaces valine, which is neutral and non-polar, with leucine, which is neutral and non-polar, at codon 344 of the MLH3 protein (p.Val344Leu).